The following is an entry in ClinVar:

ClinVar aggregate classification (germline): Uncertain significance. Review status: criteria provided, multiple submitters, no conflicts (2 of 4 stars). 2 submissions from 2 submitters: Uncertain significance (2). Last evaluated 2026-08-06.

Conditions:
Intellectual developmental disorder, X-linked 114. Identifiers: MedGen C5974891, MONDO:0975828, OMIM 301134.

gnomAD v4.1: 3 of 1,210,922 alleles (0.00025%); highest among the groups gnomAD compares: Non-Finnish European, 0.00022%; no homozygotes.

Submissions (2):

OLLIN Analises Genomicas, OLLIN
Classification: Uncertain significance for Intellectual developmental disorder, X-linked 114. Last evaluated: 2026-08-06. Review status: criteria provided, single submitter. Criteria: ACMG Guidelines 2015 PMID 25741868. Collection method: clinical testing. Allele origin: germline.
Comment: This missense variant, located in exon 10 (of 15), has been observed in gnomAD with an allele frequency of 0.00025%, but has not been reported in ClinVar or identified in the literature. In silico analysis predicts that this variant has a tolerated effect. According to the currently available evidence, this variant has been classified as uncertain significance (PM2_P, BP4_M).

Dasa
Classification: Uncertain significance. Last evaluated: 2025-07-08. Review status: criteria provided, single submitter. Criteria: DASA Assertion Criteria. Collection method: clinical testing. Allele origin: germline.
Comment: NM_014370.4(SRPK3):c.1040G>A (p.Gly347Asp) is a missense variant that results in the substitution of glycine with aspartic acid. This variant is rare in population databases. Computational prediction algorithms are consistent with a benign effect. The currently available literature and clinical evidence are not sufficient to establish a definitive association between this variant and the reported condition. Therefore, this variant is classified as a variant of uncertain significance.

NM_014370.4(SRPK3):c.1040G>A (p.Gly347Asp)

Gene: SRPK3 (SRSF protein kinase 3; plus strand). Cytogenetic location: Xq28.
Variant type: single nucleotide variant.
Coding change: c.1040G>A on transcript NM_014370.4 (MANE Select); coding-DNA position 1040, G replaced by A.
Protein change: p.Gly347Asp; replaces glycine 347 with aspartic acid.
Molecular consequence: missense variant. On other transcripts: intron variant (1).
Genome position (GRCh38, 1-based): chrX:153,784,106, G>A. VCF-style: chrX-153784106-G-A. GRCh37 (hg19) VCF-style: chrX-153049561-G-A.
Other names: c.1037G>A, p.Gly346Asp (NM_001170760.2); c.953-15G>A (NM_001170761.2); short protein forms G346D, G347D.
Identifiers: ClinVar variation 4885508 (VCV004885508.3).